The following is an entry in ClinVar:

ClinVar aggregate classification (germline): Benign. Review status: criteria provided, multiple submitters, no conflicts (2 of 4 stars). 2 submissions from 2 submitters: Benign (2). Last evaluated 2018-01-13.

Conditions:
CHIME syndrome (CHIME). Also called: COLOBOMA, CONGENITAL HEART DISEASE, ICHTHYOSIFORM DERMATOSIS, IMPAIRED INTELLECTUAL DEVELOPMENT, AND EAR ANOMALIES SYNDROME; GLYCOSYLPHOSPHATIDYLINOSITOL BIOSYNTHESIS DEFECT 5. Identifiers: Orphanet 3474, MedGen C1848392, MONDO:0010221, OMIM 280000.

Allele frequency attached by ClinVar (database versions not stated): gnomAD exomes 0.00093; gnomAD 0.00230 and 0.00231; 1000 Genomes Project 0.00300; TOPMed 0.00326; 1000 Genomes Project 30x 0.00328.
gnomAD v4.1: 753 of 571,384 alleles (0.13%); highest among the groups gnomAD compares: Admixed American, 2%; 9 homozygotes.

Submissions (2):

Illumina Laboratory Services, Illumina
Classification: Benign for CHIME syndrome. Last evaluated: 2018-01-13. Review status: criteria provided, single submitter. Criteria: ICSL Variant Classification Criteria 13 December 2019. Collection method: clinical testing. Allele origin: germline.
Comment: This variant was observed in the ICSL laboratory as part of a predisposition screen in an ostensibly healthy population. It had not been previously curated by ICSL or reported in the Human Gene Mutation Database (HGMD: prior to June 1st, 2018), and was therefore a candidate for classification through an automated scoring system. Utilizing variant allele frequency, disease prevalence and penetrance estimates, and inheritance mode, an automated score was calculated to assess if this variant is too frequent to cause the disease. Based on the score and internal cut-off values, a variant classified as benign is not then subjected to further curation. The score for this variant resulted in a classification of benign for this disease.

Breakthrough Genomics
Classification: Benign. Review status: criteria provided, single submitter. Criteria: ACMG Guidelines, 2015. Collection method: not provided. Allele origin: germline. Inheritance: Autosomal recessive inheritance. Affected: yes.

NM_004278.4(PIGL):c.*182A>G

Gene: PIGL (phosphatidylinositol glycan anchor biosynthesis class L; plus strand). Cytogenetic location: 17p11.2.
Variant type: single nucleotide variant.
Coding change: c.*182A>G on transcript NM_004278.4 (MANE Select); 182 bases downstream of the stop codon, A replaced by G.
Molecular consequence: 3 prime UTR variant.
Genome position (GRCh38, 1-based): chr17:16,326,080, A>G. VCF-style: chr17-16326080-A-G. GRCh37 (hg19) VCF-style: chr17-16229394-A-G.
Identifiers: ClinVar variation 890069 (VCV000890069.5), dbSNP rs140126036, ClinGen allele CA288216520.